The following is an entry in ClinVar:

NM_138694.4(PKHD1):c.11245C>T (p.Pro3749Ser)

Gene: PKHD1 (PKHD1 ciliary IPT domain containing fibrocystin/polyductin; minus strand). Cytogenetic location: 6p12.3.
Variant type: single nucleotide variant.
Coding change: c.11245C>T on transcript NM_138694.4 (MANE Select); coding-DNA position 11245, C replaced by T.
Protein change: p.Pro3749Ser; replaces proline 3749 with serine.
Molecular consequence: missense variant.
Genome position (GRCh38, 1-based): chr6:51,649,150, G>A on the plus strand (C>T on the coding strand, the complement: PKHD1 is on the minus strand). VCF-style: chr6-51649150-G-A. GRCh37 (hg19) VCF-style: chr6-51513948-G-A.
Other names: c.11245C>T (NM_138694.3); short protein forms P3749S.
Identifiers: ClinVar variation 597853 (VCV000597853.6), dbSNP rs1562020310, ClinGen allele CA364426188.

ClinVar aggregate classification (germline): Uncertain significance. Review status: criteria provided, multiple submitters, no conflicts (2 of 4 stars). 2 submissions from 2 submitters: Uncertain significance (2). Last evaluated 2026-04-14.

gnomAD v4.1: 1 of 1,611,988 alleles (0.000062%); no homozygotes.

Submissions (2):

GeneDx
Classification: Uncertain significance. Last evaluated: 2026-04-14. Review status: criteria provided, single submitter. Criteria: GeneDx Variant Classification Process June 2021. Collection method: clinical testing. Allele origin: germline.
Comment: Not observed at significant frequency in large population cohorts (gnomAD); In silico analysis supports that this missense variant has a deleterious effect on protein structure/function; Has not been previously published as pathogenic or benign to our knowledge

Eurofins Ntd Llc (ga)
Classification: Uncertain significance. Last evaluated: 2018-06-28. Review status: criteria provided, single submitter. Criteria: EGL ClinVar v180209 classification definitions. Collection method: clinical testing. Allele origin: germline. Observed: 1 variant allele, 1 heterozygote.